The following is an entry in ClinVar:

NM_000397.4(CYBB):c.937AAG[2] (p.Lys315del)

Gene: CYBB (cytochrome b-245 beta chain; plus strand). Cytogenetic location: Xp11.4.
Variant type: Microsatellite.
Coding change: c.937AAG[2] on transcript NM_000397.4 (MANE Select); two copies in a row of the 3-base unit AAG starting at c.937; the reference has three copies in a row; one copy, 3 bases deleted.
Protein change: p.Lys315del; deletes lysine 315.
Molecular consequence: inframe deletion.
Genome position (GRCh38, 1-based): chrX:37,803,922-37,803,924, AAG deleted; deleting any 3 consecutive bases within chrX:37,803,915-37,803,924 gives the same sequence; the position shown is the placement nearest the transcript's 3' end. VCF-style (leftmost placement, unchanged base first): chrX-37803914-TGAA-T. GRCh37 (hg19) VCF-style: chrX-37663167-TGAA-T.
Other names: short protein forms K315del.
Identifiers: ClinVar variation 1200057 (VCV001200057.4), dbSNP rs2146817067, ClinGen allele CA2580616963.
Genomic context (GRCh38, chrX:37,803,914, plus strand): 5'-CAGACATATGTTTTATTCTATAGGTGGTCACTCACCCTTTCAAAACCATCGAGCTACAGA[TGAA>T]GAAGAAGGGGTTCAAAATGGAAGTGGGACAATACATTTTTGTCAAGTGCCCAAAGGTGTC-3'

ClinVar aggregate classification (germline): Conflicting classifications of pathogenicity. Review status: criteria provided, conflicting classifications (1 of 4 stars). 2 submissions from 2 submitters: Pathogenic (1); Uncertain significance (1). Last evaluated 2025-10-29.

Conditions:
Granulomatous disease, chronic, X-linked. Also called: CYTOCHROME b-NEGATIVE GRANULOMATOUS DISEASE, CHRONIC, X-LINKED; GRANULOMATOUS DISEASE, CHRONIC, X-LINKED, SOMATIC MOSAIC. Identifiers: Orphanet 379, MedGen C1844376, MONDO:0010600, OMIM 306400.

Submissions (2):

Labcorp Genetics (formerly Invitae), Labcorp
Classification: Uncertain significance for Granulomatous disease, chronic, X-linked. Last evaluated: 2025-10-29. Review status: criteria provided, single submitter. Criteria: Invitae Variant Classification Sherloc (09022015). Collection method: clinical testing. Allele origin: germline.
Comment: This variant, c.943_945del, results in the deletion of 1 amino acid(s) of the CYBB protein (p.Lys315del), but otherwise preserves the integrity of the reading frame. This variant is not present in population databases (gnomAD no frequency). This variant has been observed in individual(s) with chronic granulomatous disease (PMID: 7579466). Algorithms developed to predict the effect of variants on gene product structure and function are not available or were not evaluated for this variant. Experimental studies have shown that this variant affects CYBB function (PMID: 25252997). In summary, the available evidence is currently insufficient to determine the role of this variant in disease. Therefore, it has been classified as a Variant of Uncertain Significance.

GeneDx
Classification: Pathogenic. Last evaluated: 2021-06-21. Review status: criteria provided, single submitter. Criteria: GeneDx Variant Classification Process June 2021. Collection method: clinical testing. Allele origin: germline. Affected: yes.
Comment: Published functional studies demonstrate a damaging effect on NADPH oxidase activity (Beaumel S et al., 2014); In-frame deletion of 1 amino acids in a non-repeat region; Not observed at significant frequency in large population cohorts (Lek et al., 2016); In silico analysis supports a deleterious effect on protein structure/function; This variant is associated with the following publications: (PMID: 7579466, 20729109, 26210446, 9585602, 15693794, 15777347, 25252997, 27535533)

Literature cited by the submitters: PubMed 7579466 (cited by Labcorp Genetics (formerly Invitae), Labcorp); PubMed 25252997 (cited by Labcorp Genetics (formerly Invitae), Labcorp).